The following is an entry in ClinVar:

NM_203447.4(DOCK8):c.3397A>G (p.Ser1133Gly)

Gene: DOCK8 (dedicator of cytokinesis 8; plus strand). Cytogenetic location: 9p24.3.
Variant type: single nucleotide variant.
Coding change: c.3397A>G on transcript NM_203447.4 (MANE Select); coding-DNA position 3397, A replaced by G.
Protein change: p.Ser1133Gly; replaces serine 1133 with glycine.
Molecular consequence: missense variant.
Genome position (GRCh38, 1-based): chr9:406,936, A>G. VCF-style: chr9-406936-A-G. GRCh37 (hg19) VCF-style: chr9-406936-A-G.
Other names: c.3097A>G, p.Ser1033Gly (NM_001190458.2); c.3193A>G, p.Ser1065Gly (NM_001193536.2); short protein forms S1133G, S1033G, S1065G.
Identifiers: ClinVar variation 2158851 (VCV002158851.4), dbSNP rs891764120, ClinGen allele CA187767076.

ClinVar aggregate classification (germline): Uncertain significance (1 of 4 stars; one submission).

Conditions:
Combined immunodeficiency due to DOCK8 deficiency (HIES2). Also called: HYPER-IgE RECURRENT INFECTION SYNDROME 2, AUTOSOMAL RECESSIVE; HYPER-IgE SYNDROME 2, AUTOSOMAL RECESSIVE, WITH RECURRENT INFECTIONS; DOCK8 Deficiency; HIES autosomal recessive; Hyper-IgE recurrent infection syndrome, autosomal recessive. Identifiers: Orphanet 217390, MedGen C4722305, MONDO:0009478, OMIM 243700.

Allele frequency attached by ClinVar (database versions not stated): gnomAD exomes 0.00001; TOPMed 0.00001.
gnomAD v4.1: 19 of 1,614,114 alleles (0.0012%); highest among the groups gnomAD compares: Middle Eastern, 0.016%; no homozygotes.

Submission:

Labcorp Genetics (formerly Invitae), Labcorp
Classification: Uncertain significance for Combined immunodeficiency due to DOCK8 deficiency. Last evaluated: 2026-01-26. Review status: criteria provided, single submitter. Criteria: Invitae Variant Classification Sherloc (09022015). Collection method: clinical testing. Allele origin: germline.
Comment: This sequence change replaces serine, which is neutral and polar, with glycine, which is neutral and non-polar, at codon 1133 of the DOCK8 protein (p.Ser1133Gly). This variant is not present in population databases (gnomAD no frequency). This variant has not been reported in the literature in individuals affected with DOCK8-related conditions. ClinVar contains an entry for this variant (Variation ID: 2158851). Invitae Evidence Modeling of protein sequence and biophysical properties (such as structural, functional, and spatial information, amino acid conservation, physicochemical variation, residue mobility, and thermodynamic stability) indicates that this missense variant is not expected to disrupt DOCK8 protein function with a negative predictive value of 80%. In summary, the available evidence is currently insufficient to determine the role of this variant in disease. Therefore, it has been classified as a Variant of Uncertain Significance.